The following is an entry in ClinVar:

NM_000553.6(WRN):c.4165A>G (p.Lys1389Glu)

Gene: WRN (WRN RecQ like helicase; plus strand). Cytogenetic location: 8p12.
Variant type: single nucleotide variant.
Coding change: c.4165A>G on transcript NM_000553.6 (MANE Select); coding-DNA position 4165, A replaced by G.
Protein change: p.Lys1389Glu; replaces lysine 1389 with glutamic acid.
Molecular consequence: missense variant.
Genome position (GRCh38, 1-based): chr8:31,167,204, A>G. VCF-style: chr8-31167204-A-G. GRCh37 (hg19) VCF-style: chr8-31024720-A-G.
Other names: short protein forms K1389E.
Identifiers: ClinVar variation 135438 (VCV000135438.19), dbSNP rs587778751, ClinGen allele CA162764.
Genomic context (GRCh38, chr8:31,167,204, plus strand): 5'-GTCAACAAAAGGAGATGTTTTCCCGGTTCTGAAGAGATCTGTTCAAGTTCTAAGAGAAGC[A>G]AGGAAGAAGTAGGCATCAATACTGAGGTATTAATTATATATAGAATTTTCATAAAGTGTC-3'
Protein context (NP_000544.2, residues 1379-1399): EEICSSSKRS[Lys1389Glu]EEVGINTETS

ClinVar aggregate classification (germline): Uncertain significance. Review status: criteria provided, multiple submitters, no conflicts (2 of 4 stars). 3 submissions from 3 submitters: Uncertain significance (2). 1 of the submissions does not count toward it. Last evaluated 2025-07-21.

Conditions:
Werner syndrome (WRN). Identifiers: Orphanet 902, MedGen C0043119, MONDO:0010196, OMIM 277700.

Allele frequency attached by ClinVar (database versions not stated): gnomAD 0.00001; gnomAD exomes 0.00002 and 0.00003; ExAC 0.00003; TOPMed 0.00003.
gnomAD v4.1: 51 of 1,613,068 alleles (0.0032%); highest among the groups gnomAD compares: Non-Finnish European, 0.0042%; no homozygotes.

Submissions (3):

Labcorp Genetics (formerly Invitae), Labcorp
Classification: Uncertain significance for Werner syndrome. Last evaluated: 2025-07-21. Review status: criteria provided, single submitter. Criteria: Invitae Variant Classification Sherloc (09022015). Collection method: clinical testing. Allele origin: germline.
Comment: This sequence change replaces lysine, which is basic and polar, with glutamic acid, which is acidic and polar, at codon 1389 of the WRN protein (p.Lys1389Glu). This variant is present in population databases (rs587778751, gnomAD 0.004%). This variant has not been reported in the literature in individuals affected with WRN-related conditions. ClinVar contains an entry for this variant (Variation ID: 135438). An algorithm developed to predict the effect of missense changes on protein structure and function (PolyPhen-2) suggests that this variant is likely to be tolerated. In summary, the available evidence is currently insufficient to determine the role of this variant in disease. Therefore, it has been classified as a Variant of Uncertain Significance.

Fulgent Genetics
Classification: Uncertain significance for Werner syndrome. Last evaluated: 2023-12-27. Review status: criteria provided, single submitter. Criteria: ACMG Guidelines, 2015. Collection method: clinical testing. Allele origin: germline.

ITMI
No classification provided. Condition: AllHighlyPenetrant. Last evaluated: 2013-09-19. Review status: no classification provided. Collection method: reference population. Allele origin: germline. Not counted in ClinVar's aggregate classification.
Comment: Please see associated publication for description of ethnicities

Literature cited by the submitters: PubMed 24728327 (cited by ITMI).